The following is an entry in ClinVar:

ClinVar aggregate classification (germline): Uncertain significance (1 of 4 stars; one submission).

Allele frequency attached by ClinVar (database versions not stated): gnomAD exomes below 0.00001; gnomAD 0.00001.
gnomAD v4.1: 26 of 1,613,930 alleles (0.0016%); highest among the groups gnomAD compares: Middle Eastern, 0.016%; no homozygotes.

Submission:

Labcorp Genetics (formerly Invitae), Labcorp
Classification: Uncertain significance. Last evaluated: 2021-09-10. Review status: criteria provided, single submitter. Criteria: Invitae Variant Classification Sherloc (09022015). Collection method: clinical testing. Allele origin: germline.
Comment: In summary, the available evidence is currently insufficient to determine the role of this variant in disease. Therefore, it has been classified as a Variant of Uncertain Significance. Algorithms developed to predict the effect of missense changes on protein structure and function (SIFT, PolyPhen-2, Align-GVGD) all suggest that this variant is likely to be disruptive. This variant has not been reported in the literature in individuals affected with PITPNM3-related conditions. This variant is not present in population databases (ExAC no frequency). This sequence change replaces arginine with cysteine at codon 424 of the PITPNM3 protein (p.Arg424Cys). The arginine residue is highly conserved and there is a large physicochemical difference between arginine and cysteine.

NM_031220.4(PITPNM3):c.1270C>T (p.Arg424Cys)

Gene: PITPNM3 (PITPNM family member 3; minus strand). Cytogenetic location: 17p13.2.
Variant type: single nucleotide variant.
Coding change: c.1270C>T on transcript NM_031220.4 (MANE Select); coding-DNA position 1270, C replaced by T.
Protein change: p.Arg424Cys; replaces arginine 424 with cysteine.
Molecular consequence: missense variant.
Genome position (GRCh38, 1-based): chr17:6,472,816, G>A on the plus strand (C>T on the coding strand, the complement: PITPNM3 is on the minus strand). VCF-style: chr17-6472816-G-A. GRCh37 (hg19) VCF-style: chr17-6376136-G-A.
Other names: c.1162C>T, p.Arg388Cys (NM_001165966.2); short protein forms R388C, R424C.
Identifiers: ClinVar variation 1463270 (VCV001463270.6), dbSNP rs1174190065, ClinGen allele CA397406255.